The following is an entry in ClinVar:

NM_000334.4(SCN4A):c.4645G>A (p.Gly1549Arg)

Genes: GH-LCR (growth hormone locus control region; plus strand), SCN4A (sodium voltage-gated channel alpha subunit 4; minus strand). Cytogenetic location: 17q23.3.
Variant type: single nucleotide variant.
Coding change: c.4645G>A on transcript NM_000334.4 (MANE Select); coding-DNA position 4645, G replaced by A.
Protein change: p.Gly1549Arg; replaces glycine 1549 with arginine.
Molecular consequence: missense variant.
Genome position (GRCh38, 1-based): chr17:63,941,637, C>T on the plus strand (G>A on the coding strand, the complement: SCN4A is on the minus strand). VCF-style: chr17-63941637-C-T. GRCh37 (hg19) VCF-style: chr17-62018997-C-T.
Other names: short protein forms G1549R.
Identifiers: ClinVar variation 1522491 (VCV001522491.17), dbSNP rs748122664, ClinGen allele CA8708924.

ClinVar aggregate classification (germline): Uncertain significance. Review status: criteria provided, multiple submitters, no conflicts (2 of 4 stars). 2 submissions from 2 submitters: Uncertain significance (2). Last evaluated 2024-01-08.

Conditions:
Hyperkalemic periodic paralysis. Also called: Familial hyperkalemic periodic paralysis; Gamstorp disease. Identifiers: Orphanet 682, MedGen C0238357, MONDO:0008224, OMIM 170500, HP:0007215.
Long QT syndrome (LQTS). Identifiers: MedGen C0023976, MeSH D008133, MONDO:0002442. Disease mechanism: loss of function. Inheritance: Various modes of inheritance.

Allele frequency attached by ClinVar (database versions not stated): TOPMed 0.00001.

Submissions (2):

Dept of Medical Biology, Uskudar University
Classification: Uncertain significance for Long QT syndrome. Last evaluated: 2024-01-08. Review status: criteria provided, single submitter. Criteria: Dept of Medical Biology Variant Classification. Collection method: research. Allele origin: maternal. Affected: yes. Observed: 1 variant allele.
Comment: Criteria: PM1, PM2, PP3

Labcorp Genetics (formerly Invitae), Labcorp
Classification: Uncertain significance for Hyperkalemic periodic paralysis. Last evaluated: 2021-09-17. Review status: criteria provided, single submitter. Criteria: Invitae Variant Classification Sherloc (09022015). Collection method: clinical testing. Allele origin: germline.
Comment: Algorithms developed to predict the effect of missense changes on protein structure and function are either unavailable or do not agree on the potential impact of this missense change (SIFT: "Deleterious"; PolyPhen-2: "Benign"; Align-GVGD: "Class C0"). In summary, the available evidence is currently insufficient to determine the role of this variant in disease. Therefore, it has been classified as a Variant of Uncertain Significance. Algorithms developed to predict the effect of sequence changes on RNA splicing suggest that this variant may create or strengthen a splice site. This variant has not been reported in the literature in individuals affected with SCN4A-related conditions. This variant is present in population databases (rs748122664, ExAC 0.02%). This sequence change replaces glycine with arginine at codon 1549 of the SCN4A protein (p.Gly1549Arg). The glycine residue is highly conserved and there is a moderate physicochemical difference between glycine and arginine.